The following is an entry in ClinVar:

NM_030665.4(RAI1):c.5681A>C (p.Asn1894Thr)

Gene: RAI1 (retinoic acid induced 1; plus strand). Cytogenetic location: 17p11.2.
Variant type: single nucleotide variant.
Coding change: c.5681A>C on transcript NM_030665.4 (MANE Select); coding-DNA position 5681, A replaced by C.
Protein change: p.Asn1894Thr; replaces asparagine 1894 with threonine.
Molecular consequence: missense variant.
Genome position (GRCh38, 1-based): chr17:17,809,411, A>C. VCF-style: chr17-17809411-A-C. GRCh37 (hg19) VCF-style: chr17-17712725-A-C.
Other names: short protein forms N1894T.
Identifiers: ClinVar variation 3375559 (VCV003375559.1).

ClinVar aggregate classification (germline): Uncertain significance (1 of 4 stars; one submission).

Submission:

GeneDx
Classification: Uncertain significance. Last evaluated: 2024-05-07. Review status: criteria provided, single submitter. Criteria: GeneDx Variant Classification Process June 2021. Collection method: clinical testing. Allele origin: germline. Affected: yes.
Comment: Not observed at significant frequency in large population cohorts (gnomAD); In silico analysis supports that this missense variant has a deleterious effect on protein structure/function; Has not been previously published as pathogenic or benign to our knowledge